The following is an entry in ClinVar:

NM_005002.5(NDUFA9):c.552+292C>G

Gene: NDUFA9 (NADH:ubiquinone oxidoreductase subunit A9; plus strand). Cytogenetic location: 12p13.32.
Variant type: single nucleotide variant.
Coding change: c.552+292C>G on transcript NM_005002.5 (MANE Select); 292 bases into the intron after coding-DNA position 552, C replaced by G.
Molecular consequence: intron variant.
Genome position (GRCh38, 1-based): chr12:4,659,469, C>G. VCF-style: chr12-4659469-C-G. GRCh37 (hg19) VCF-style: chr12-4768635-C-G.
Identifiers: ClinVar variation 673203 (VCV000673203.1), dbSNP rs11834553, ClinGen allele CA231821779.

ClinVar aggregate classification (germline): Benign (1 of 4 stars; one submission).

Allele frequency attached by ClinVar (database versions not stated): gnomAD 0.01656 and 0.01775; TOPMed 0.01977; 1000 Genomes Project 0.01997; 1000 Genomes Project 30x 0.02202.
gnomAD v4.1: 2,503 of 152,272 alleles (1.6%); highest among the groups gnomAD compares: African/African-American, 5.5%; 58 homozygotes.

Submission:

GeneDx
Classification: Benign. Last evaluated: 2018-06-14. Review status: criteria provided, single submitter. Criteria: GeneDx Variant Classification (06012015). Collection method: clinical testing. Allele origin: germline. Affected: yes.
Comment: This variant is considered likely benign or benign based on one or more of the following criteria: it is a conservative change, it occurs at a poorly conserved position in the protein, it is predicted to be benign by multiple in silico algorithms, and/or has population frequency not consistent with disease.